The following is an entry in ClinVar:

ClinVar aggregate classification (germline): Uncertain significance (1 of 4 stars; one submission).

Submission:

Labcorp Genetics (formerly Invitae), Labcorp
Classification: Uncertain significance. Last evaluated: 2022-03-10. Review status: criteria provided, single submitter. Criteria: Invitae Variant Classification Sherloc (09022015). Collection method: clinical testing. Allele origin: germline.
Comment: In summary, the available evidence is currently insufficient to determine the role of this variant in disease. Therefore, it has been classified as a Variant of Uncertain Significance. Algorithms developed to predict the effect of missense changes on protein structure and function (SIFT, PolyPhen-2, Align-GVGD) all suggest that this variant is likely to be disruptive. ClinVar contains an entry for this variant (Variation ID: 1009769). This variant has not been reported in the literature in individuals affected with C1QTNF5-related conditions. This variant is not present in population databases (gnomAD no frequency). This sequence change replaces glycine, which is neutral and non-polar, with arginine, which is basic and polar, at codon 84 of the C1QTNF5 protein (p.Gly84Arg).

NM_001278431.2(C1QTNF5):c.250G>C (p.Gly84Arg)

Genes: C1QTNF5 (C1q and TNF related 5; minus strand), MFRP (membrane frizzled-related protein; minus strand). Cytogenetic location: 11q23.3.
Variant type: single nucleotide variant.
Coding change: c.250G>C on transcript NM_001278431.2 (MANE Select); coding-DNA position 250, G replaced by C.
Protein change: p.Gly84Arg; replaces glycine 84 with arginine.
Molecular consequence: missense variant. On other transcripts: 3 prime UTR variant (1).
Genome position (GRCh38, 1-based): chr11:119,339,813, C>G on the plus strand (G>C on the coding strand, the complement: C1QTNF5 is on the minus strand). VCF-style: chr11-119339813-C-G. GRCh37 (hg19) VCF-style: chr11-119210523-C-G.
Other names: c.250G>C, p.Gly84Arg (NM_015645.5); c.*1146G>C (NM_031433.4); short protein forms G84R.
Identifiers: ClinVar variation 1009769 (VCV001009769.8), dbSNP rs1950481058, ClinGen allele CA382970084.